The following is an entry in ClinVar:

ClinVar aggregate classification (germline): Uncertain significance (1 of 4 stars; one submission).

Conditions:
Inborn genetic diseases. Identifiers: MedGen C0950123, MeSH D030342.

Submission:

Ambry Genetics
Classification: Uncertain significance for Inborn genetic diseases. Last evaluated: 2025-08-23. Review status: criteria provided, single submitter. Criteria: Ambry Variant Classification Scheme 2023. Collection method: clinical testing. Allele origin: germline.
Comment: The p.S1160P variant (also known as c.3478T>C), located in coding exon 1 of the SAMD9 gene, results from a T to C substitution at nucleotide position 3478. The serine at codon 1160 is replaced by proline, an amino acid with similar properties. This amino acid position is conserved. In addition, this alteration is predicted to be tolerated by in silico analysis. Based on the available evidence, the clinical significance of this variant remains unclear.

NM_017654.4(SAMD9):c.3478T>C (p.Ser1160Pro)

Gene: SAMD9 (sterile alpha motif domain containing 9; minus strand). Cytogenetic location: 7q21.2.
Variant type: single nucleotide variant.
Coding change: c.3478T>C on transcript NM_017654.4 (MANE Select); coding-DNA position 3478, T replaced by C.
Protein change: p.Ser1160Pro; replaces serine 1160 with proline.
Molecular consequence: missense variant.
Genome position (GRCh38, 1-based): chr7:93,102,620, A>G on the plus strand (T>C on the coding strand, the complement: SAMD9 is on the minus strand). VCF-style: chr7-93102620-A-G. GRCh37 (hg19) VCF-style: chr7-92731933-A-G.
Other names: c.3478T>C, p.Ser1160Pro (NM_001193307.2); short protein forms S1160P.
Identifiers: ClinVar variation 4159178 (VCV004159178.1).